The following is an entry in ClinVar:

ClinVar aggregate classification (germline): Uncertain significance. Review status: criteria provided, multiple submitters, no conflicts (2 of 4 stars). 2 submissions from 2 submitters: Uncertain significance (2). Last evaluated 2024-09-05.

Conditions:
Bartter disease type 3. Also called: Bartter syndrome type 3. Identifiers: Orphanet 112, Orphanet 93605, MedGen C1846343, MONDO:0011822, OMIM 607364.
Bartter disease type 4B. Also called: Bartter syndrome, type 4b, digenic; BARTTER SYNDROME, TYPE 4B; BARTTER SYNDROME, TYPE 4B, NEONATAL, WITH SENSORINEURAL DEAFNESS. Identifiers: Orphanet 112, MedGen C4310805, MONDO:0000909, OMIM 613090.

gnomAD v4.1: 3 of 1,614,058 alleles (0.00019%); highest among the groups gnomAD compares: African/African-American, 0.0027%; no homozygotes.

Submissions (2):

Labcorp Genetics (formerly Invitae), Labcorp
Classification: Uncertain significance. Last evaluated: 2024-09-05. Review status: criteria provided, single submitter. Criteria: Invitae Variant Classification Sherloc (09022015). Collection method: clinical testing. Allele origin: germline.
Comment: This sequence change replaces proline, which is neutral and non-polar, with threonine, which is neutral and polar, at codon 116 of the CLCNKB protein (p.Pro116Thr). This variant is present in population databases (no rsID available, gnomAD 0.003%). This variant has not been reported in the literature in individuals affected with CLCNKB-related conditions. Invitae Evidence Modeling of protein sequence and biophysical properties (such as structural, functional, and spatial information, amino acid conservation, physicochemical variation, residue mobility, and thermodynamic stability) indicates that this missense variant is not expected to disrupt CLCNKB protein function with a negative predictive value of 80%. In summary, the available evidence is currently insufficient to determine the role of this variant in disease. Therefore, it has been classified as a Variant of Uncertain Significance.

Fulgent Genetics
Classification: Uncertain significance for Bartter disease type 3; Bartter disease type 4B. Last evaluated: 2024-01-06. Review status: criteria provided, single submitter. Criteria: ACMG Guidelines, 2015. Collection method: clinical testing. Allele origin: germline.

NM_000085.5(CLCNKB):c.346C>A (p.Pro116Thr)

Genes: CLCNKB (chloride voltage-gated channel Kb; plus strand), LOC106501713 (CLCNKB recombination region; plus strand). Cytogenetic location: 1p36.13.
Variant type: single nucleotide variant.
Coding change: c.346C>A on transcript NM_000085.5 (MANE Select); coding-DNA position 346, C replaced by A.
Protein change: p.Pro116Thr; replaces proline 116 with threonine.
Molecular consequence: missense variant.
Genome position (GRCh38, 1-based): chr1:16,046,651, C>A. VCF-style: chr1-16046651-C-A. GRCh37 (hg19) VCF-style: chr1-16373146-C-A.
Other names: short protein forms P116T.
Identifiers: ClinVar variation 3599193 (VCV003599193.3).